The following is an entry in ClinVar:

NM_001130987.2(DYSF):c.3268G>A (p.Ala1090Thr)

Gene: DYSF (dysferlin; plus strand). Cytogenetic location: 2p13.2.
Variant type: single nucleotide variant.
Coding change: c.3268G>A on transcript NM_001130987.2 (MANE Select); coding-DNA position 3268, G replaced by A.
Protein change: p.Ala1090Thr; replaces alanine 1090 with threonine.
Molecular consequence: missense variant.
Genome position (GRCh38, 1-based): chr2:71,574,237, G>A. VCF-style: chr2-71574237-G-A. GRCh37 (hg19) VCF-style: chr2-71801367-G-A.
Other names: c.3172G>A, p.Ala1058Thr (NM_001130976.2, NM_001130977.2); c.3214G>A, p.Ala1072Thr (NM_001130978.2, NM_003494.4); c.3307G>A, p.Ala1103Thr (NM_001130979.2); c.3265G>A, p.Ala1089Thr (NM_001130980.2, NM_001130981.2); c.3217G>A, p.Ala1073Thr (NM_001130455.2, NM_001130983.2); c.3310G>A, p.Ala1104Thr (NM_001130982.2); c.3175G>A, p.Ala1059Thr (NM_001130984.2, NM_001130986.2); c.3268G>A, p.Ala1090Thr (NM_001130985.2); short protein forms A1089T, A1058T, A1059T, A1104T, A1072T, A1073T, A1103T, A1090T.
Identifiers: ClinVar variation 952682 (VCV000952682.8), dbSNP rs34660230, ClinGen allele CA1706505.

ClinVar aggregate classification (germline): Uncertain significance (1 of 4 stars; one submission).

Conditions:
Neuromuscular disease caused by qualitative or quantitative defects of dysferlin. Also called: Qualitative or quantitative defects of dysferlin; Dysferlinopathy. Identifiers: Orphanet 207073, MedGen C2931687, MONDO:0016145.

Allele frequency attached by ClinVar (database versions not stated): TOPMed below 0.00001; gnomAD 0.00001; gnomAD exomes 0.00001; ExAC 0.00002.
gnomAD v4.1: 20 of 1,613,806 alleles (0.0012%); highest among the groups gnomAD compares: South Asian, 0.0055%; no homozygotes.

Submission:

Labcorp Genetics (formerly Invitae), Labcorp
Classification: Uncertain significance for Neuromuscular disease caused by qualitative or quantitative defects of dysferlin. Last evaluated: 2023-07-10. Review status: criteria provided, single submitter. Criteria: Invitae Variant Classification Sherloc (09022015). Collection method: clinical testing. Allele origin: germline.
Comment: ClinVar contains an entry for this variant (Variation ID: 952682). Advanced modeling of protein sequence and biophysical properties (such as structural, functional, and spatial information, amino acid conservation, physicochemical variation, residue mobility, and thermodynamic stability) performed at Invitae indicates that this missense variant is not expected to disrupt DYSF protein function. In summary, the available evidence is currently insufficient to determine the role of this variant in disease. Therefore, it has been classified as a Variant of Uncertain Significance. This variant has not been reported in the literature in individuals affected with DYSF-related conditions. This sequence change replaces alanine, which is neutral and non-polar, with threonine, which is neutral and polar, at codon 1072 of the DYSF protein (p.Ala1072Thr). This variant is present in population databases (rs34660230, gnomAD 0.006%).